The following is an entry in ClinVar:

ClinVar aggregate classification (germline): Uncertain significance (1 of 4 stars; one submission).

Conditions:
Familial hemophagocytic lymphohistiocytosis 5. Also called: STXBP2-Related Familial Hemophagocytic Lymphohistiocytosis (STXBP2-fHLH). Identifiers: Orphanet 540, MedGen C2751293, MONDO:0013135, OMIM 613101.

Allele frequency attached by ClinVar (database versions not stated): gnomAD exomes below 0.00001; ExAC 0.00001; gnomAD 0.00001; ESP Exome Variant Server 0.00008.
gnomAD v4.1: 3 of 1,613,970 alleles (0.00019%); highest among the groups gnomAD compares: African/African-American, 0.0013%; no homozygotes.

Submission:

Labcorp Genetics (formerly Invitae), Labcorp
Classification: Uncertain significance for Familial hemophagocytic lymphohistiocytosis 5. Last evaluated: 2022-08-23. Review status: criteria provided, single submitter. Criteria: Invitae Variant Classification Sherloc (09022015). Collection method: clinical testing. Allele origin: germline.
Comment: This sequence change replaces serine, which is neutral and polar, with phenylalanine, which is neutral and non-polar, at codon 567 of the STXBP2 protein (p.Ser567Phe). This variant is present in population databases (rs375332778, gnomAD 0.007%). This variant has not been reported in the literature in individuals affected with STXBP2-related conditions. Algorithms developed to predict the effect of missense changes on protein structure and function are either unavailable or do not agree on the potential impact of this missense change (SIFT: "Deleterious"; PolyPhen-2: "Possibly Damaging"; Align-GVGD: "Class C15"). In summary, the available evidence is currently insufficient to determine the role of this variant in disease. Therefore, it has been classified as a Variant of Uncertain Significance.

NM_006949.4(STXBP2):c.1700C>T (p.Ser567Phe)

Gene: STXBP2 (syntaxin binding protein 2; plus strand). Cytogenetic location: 19p13.2.
Variant type: single nucleotide variant.
Coding change: c.1700C>T on transcript NM_006949.4 (MANE Select); coding-DNA position 1700, C replaced by T.
Protein change: p.Ser567Phe; replaces serine 567 with phenylalanine.
Molecular consequence: missense variant. On other transcripts: non-coding transcript variant (1).
Genome position (GRCh38, 1-based): chr19:7,647,728, C>T. VCF-style: chr19-7647728-C-T. GRCh37 (hg19) VCF-style: chr19-7712614-C-T.
Other names: c.1691C>T, p.Ser564Phe (NM_001127396.3); c.1733C>T, p.Ser578Phe (NM_001272034.2); c.1604C>T, p.Ser535Phe (NM_001414484.1); short protein forms S535F, S567F, S564F, S578F.
Identifiers: ClinVar variation 1984962 (VCV001984962.1), dbSNP rs375332778, ClinGen allele CA9144318.